The following is an entry in ClinVar:

ClinVar aggregate classification (germline): Benign (1 of 4 stars; one submission).

Conditions:
MELAS syndrome (MELAS). Also called: Juvenile myopathy, encephalopathy, lactic acidosis, stroke. Identifiers: Orphanet 550, MedGen C0162671, MONDO:0010789, OMIM 540000.

Submission:

Wong Mito Lab, Molecular and Human Genetics, Baylor College of Medicine
Classification: Benign for MELAS syndrome. Last evaluated: 2019-07-12. Review status: criteria provided, single submitter. Criteria: Modified ACMG Guidelines (Unpublished). Collection method: clinical testing. Allele origin: germline.
Comment: The NC_012920.1:m.12193A>G variant in MT-TH gene is interpreted to be a Benign variant based on the modified ACMG guidelines (unpublished). This variant meets the following evidence codes reported in the guidelines: BS1, BS2, BP4

Literature cited by the submitters: PubMed 31965079.

NC_012920.1(MT-TH):m.12193A>G

Gene: MT-TH (mitochondrially encoded tRNA histidine; plus strand).
Variant type: single nucleotide variant.
Genome position: chrM-12193-A-G.
Identifiers: ClinVar variation 690153 (VCV000690153.1), dbSNP rs1603223611, ClinGen allele CA913169655.